The following is an entry in ClinVar:

ClinVar aggregate classification (germline): Uncertain significance (0 of 4 stars; one submission).

Conditions:
PHIP-related disorder. Also called: PHIP-related condition; PHIP-related disorders.

Submission:

PreventionGenetics, part of Exact Sciences
Classification: Uncertain significance for PHIP-related condition. Last evaluated: 2024-01-29. Review status: no assertion criteria provided. Collection method: clinical testing. Allele origin: germline.
Comment: The PHIP c.2224G>C variant is predicted to result in the amino acid substitution p.Ala742Pro. To our knowledge, this variant has not been reported in the literature or in a large population database, indicating this variant is rare. At this time, the clinical significance of this variant is uncertain due to the absence of conclusive functional and genetic evidence.

NM_017934.7(PHIP):c.2224G>C (p.Ala742Pro)

Gene: PHIP (PHIP subunit of CUL4-Ring ligase complex; minus strand). Cytogenetic location: 6q14.1.
Variant type: single nucleotide variant.
Coding change: c.2224G>C on transcript NM_017934.7 (MANE Select); coding-DNA position 2224, G replaced by C.
Protein change: p.Ala742Pro; replaces alanine 742 with proline.
Molecular consequence: missense variant.
Genome position (GRCh38, 1-based): chr6:78,990,963, C>G on the plus strand (G>C on the coding strand, the complement: PHIP is on the minus strand). VCF-style: chr6-78990963-C-G. GRCh37 (hg19) VCF-style: chr6-79700680-C-G.
Other names: short protein forms A742P.
Identifiers: ClinVar variation 3350005 (VCV003350005.1).